The following is an entry in ClinVar:

ClinVar aggregate classification (germline): Uncertain significance. Review status: criteria provided, multiple submitters, no conflicts (2 of 4 stars). 3 submissions from 3 submitters: Uncertain significance (3). Last evaluated 2025-06-06.

Conditions:
Inborn genetic diseases. Identifiers: MedGen C0950123, MeSH D030342.
Ocular cystinosis. Also called: Non-Nephropathic Cystinosis; Non-Nephropathic (Ocular) Cystinosis. Identifiers: Orphanet 213, Orphanet 411641, MedGen C2931013, MONDO:0009064, OMIM 219750.
Juvenile nephropathic cystinosis. Also called: Intermediate Cystinosis; CYSTINOSIS, LATE-ONSET JUVENILE OR ADOLESCENT NEPHROPATHIC TYPE; Later-Onset (Juvenile) Cystinosis. Identifiers: Orphanet 213, Orphanet 411634, MedGen C0268626, MONDO:0009066, OMIM 219900.

Allele frequency attached by ClinVar (database versions not stated): ESP Exome Variant Server 0.00008; TOPMed 0.00011; ExAC 0.00013; gnomAD 0.00015; gnomAD exomes 0.00018.
gnomAD v4.1: 277 of 1,614,008 alleles (0.017%); highest among the groups gnomAD compares: South Asian, 0.037%; 1 homozygote.

Submissions (3):

Ambry Genetics
Classification: Uncertain significance for Inborn genetic diseases. Last evaluated: 2025-06-06. Review status: criteria provided, single submitter. Criteria: Ambry Variant Classification Scheme 2023. Collection method: clinical testing. Allele origin: germline.

GeneDx
Classification: Uncertain significance. Last evaluated: 2023-04-26. Review status: criteria provided, single submitter. Criteria: GeneDx Variant Classification Process June 2021. Collection method: clinical testing. Allele origin: germline. Affected: yes.
Comment: In silico analysis supports that this missense variant has a deleterious effect on protein structure/function; Has not been previously published as pathogenic or benign to our knowledge

Labcorp Genetics (formerly Invitae), Labcorp
Classification: Uncertain significance for Inborn genetic diseases; Ocular cystinosis; Juvenile nephropathic cystinosis. Last evaluated: 2022-06-28. Review status: criteria provided, single submitter. Criteria: Invitae Variant Classification Sherloc (09022015). Collection method: clinical testing. Allele origin: germline.
Comment: This sequence change replaces asparagine, which is neutral and polar, with threonine, which is neutral and polar, at codon 41 of the CTNS protein (p.Asn41Thr). This variant is present in population databases (rs370833328, gnomAD 0.04%). This variant has not been reported in the literature in individuals affected with CTNS-related conditions. Advanced modeling of protein sequence and biophysical properties (such as structural, functional, and spatial information, amino acid conservation, physicochemical variation, residue mobility, and thermodynamic stability) performed at Invitae indicates that this missense variant is not expected to disrupt CTNS protein function. In summary, the available evidence is currently insufficient to determine the role of this variant in disease. Therefore, it has been classified as a Variant of Uncertain Significance.

NM_004937.3(CTNS):c.122A>C (p.Asn41Thr)

Gene: CTNS (cystinosin, lysosomal cystine transporter; plus strand). Cytogenetic location: 17p13.2.
Variant type: single nucleotide variant.
Coding change: c.122A>C on transcript NM_004937.3 (MANE Select); coding-DNA position 122, A replaced by C.
Protein change: p.Asn41Thr; replaces asparagine 41 with threonine.
Molecular consequence: missense variant. On other transcripts: 5 prime UTR variant (3), intron variant (1).
Genome position (GRCh38, 1-based): chr17:3,647,504, A>C. VCF-style: chr17-3647504-A-C. GRCh37 (hg19) VCF-style: chr17-3550798-A-C.
Other names: c.122A>C (NM_004937.2); c.122A>C, p.Asn41Thr (NM_001031681.3, NM_001374492.1); c.-235A>C (NM_001374493.1, NM_001374496.1); c.-320A>C (NM_001374494.1); c.-217+7237A>C (NM_001374495.1); short protein forms N41T.
Identifiers: ClinVar variation 2068473 (VCV002068473.5), dbSNP rs370833328, ClinGen allele CA8291560.